The following is an entry in ClinVar:

ClinVar aggregate classification (germline): Uncertain significance (1 of 4 stars; one submission).

Conditions:
Cardiovascular phenotype. Identifiers: MedGen CN230736.

gnomAD v4.1: 2 of 1,611,244 alleles (0.00012%); highest among the groups gnomAD compares: Middle Eastern, 0.017%; no homozygotes.

Submission:

Ambry Genetics
Classification: Uncertain significance for Cardiovascular phenotype. Last evaluated: 2024-08-12. Review status: criteria provided, single submitter. Criteria: Ambry Variant Classification Scheme 2023. Collection method: clinical testing. Allele origin: germline.
Comment: The p.S367P variant (also known as c.1099T>C), located in coding exon 8 of the LDB3 gene, results from a T to C substitution at nucleotide position 1099. The serine at codon 367 is replaced by proline, an amino acid with similar properties. This amino acid position is conserved. In addition, this alteration is predicted to be tolerated by in silico analysis. Based on the available evidence, the clinical significance of this variant remains unclear.

NM_007078.3(LDB3):c.1099T>C (p.Ser367Pro)

Gene: LDB3 (LIM domain binding 3; plus strand). Cytogenetic location: 10q23.2.
Variant type: single nucleotide variant.
Coding change: c.1099T>C on transcript NM_007078.3 (MANE Select); coding-DNA position 1099, T replaced by C.
Protein change: p.Ser367Pro; replaces serine 367 with proline.
Molecular consequence: missense variant.
Genome position (GRCh38, 1-based): chr10:86,709,918, T>C. VCF-style: chr10-86709918-T-C. GRCh37 (hg19) VCF-style: chr10-88469675-T-C.
Other names: c.769T>C, p.Ser257Pro (NM_001080114.2); c.1114T>C, p.Ser372Pro (NM_001171610.2); c.910T>C, p.Ser304Pro (NM_001368064.1, NM_001368065.1); c.958T>C, p.Ser320Pro (NM_001368066.1); short protein forms S320P, S367P, S257P, S304P, S372P.
Identifiers: ClinVar variation 3537668 (VCV003537668.1).